The following is an entry in ClinVar:

NM_001007527.2(LMBRD2):c.1831A>G (p.Thr611Ala)

Gene: LMBRD2 (LMBR1 domain containing 2; minus strand). Cytogenetic location: 5p13.2.
Variant type: single nucleotide variant.
Coding change: c.1831A>G on transcript NM_001007527.2 (MANE Select); coding-DNA position 1831, A replaced by G.
Protein change: p.Thr611Ala; replaces threonine 611 with alanine.
Molecular consequence: missense variant.
Genome position (GRCh38, 1-based): chr5:36,108,600, T>C on the plus strand (A>G on the coding strand, the complement: LMBRD2 is on the minus strand). VCF-style: chr5-36108600-T-C. GRCh37 (hg19) VCF-style: chr5-36108702-T-C.
Other names: short protein forms T611A.
Identifiers: ClinVar variation 2575645 (VCV002575645.2), dbSNP rs1743529589, ClinGen allele CA359440811.

ClinVar aggregate classification (germline): Uncertain significance. Review status: criteria provided, multiple submitters, no conflicts (2 of 4 stars). 2 submissions from 2 submitters: Uncertain significance (2). Last evaluated 2025-07-14.

Conditions:
Inborn genetic diseases. Identifiers: MedGen C0950123, MeSH D030342.

Submissions (2):

Ambry Genetics
Classification: Uncertain significance for Inborn genetic diseases. Last evaluated: 2025-07-14. Review status: criteria provided, single submitter. Criteria: Ambry Variant Classification Scheme 2023. Collection method: clinical testing. Allele origin: germline.

GeneDx
Classification: Uncertain significance. Last evaluated: 2023-02-10. Review status: criteria provided, single submitter. Criteria: GeneDx Variant Classification Process June 2021. Collection method: clinical testing. Allele origin: germline. Affected: yes.
Comment: Not observed at significant frequency in large population cohorts (gnomAD); In silico analysis supports that this missense variant does not alter protein structure/function; Has not been previously published as pathogenic or benign to our knowledge